The following is an entry in ClinVar:

NM_024496.4(IRF2BPL):c.363G>A (p.Gln121=)

Gene: IRF2BPL (interferon regulatory factor 2 binding protein like; minus strand). Cytogenetic location: 14q24.3.
Variant type: single nucleotide variant.
Coding change: c.363G>A on transcript NM_024496.4 (MANE Select); coding-DNA position 363, G replaced by A.
Protein change: p.Gln121=; no amino-acid change (glutamine 121 retained).
Molecular consequence: synonymous variant.
Genome position (GRCh38, 1-based): chr14:77,027,430, C>T on the plus strand (G>A on the coding strand, the complement: IRF2BPL is on the minus strand). VCF-style: chr14-77027430-C-T. GRCh37 (hg19) VCF-style: chr14-77493773-C-T.
Identifiers: ClinVar variation 2644413 (VCV002644413.25), dbSNP rs1174028006, ClinGen allele CA7283987.

ClinVar aggregate classification (germline): Likely benign. Review status: criteria provided, multiple submitters, no conflicts (2 of 4 stars). 2 submissions from 2 submitters: Likely benign (2). Last evaluated 2026-08-01.

Allele frequency attached by ClinVar (database versions not stated): ExAC 0.00033; gnomAD 0.00135; gnomAD exomes 0.00140.

Submissions (2):

CeGaT Center for Human Genetics Tuebingen
Classification: Likely benign. Last evaluated: 2026-08-01. Review status: criteria provided, single submitter. Criteria: CeGaT Center For Human Genetics Tuebingen Variant Classification Criteria Version 2. Collection method: clinical testing. Allele origin: germline. Affected: yes. Observed: 6 variant alleles.
Comment: IRF2BPL: BP4, BP7, BS1

Blueprint Genetics
Classification: Likely benign. Last evaluated: 2024-10-30. Review status: criteria provided, single submitter. Criteria: ACMG Guidelines, 2015. Collection method: clinical testing. Allele origin: germline.